The following is an entry in ClinVar:

ClinVar aggregate classification (germline): Benign/Likely benign. Review status: criteria provided, multiple submitters, no conflicts (2 of 4 stars). 3 submissions from 3 submitters: Benign (1); Likely benign (2). Last evaluated 2026-07-20.

Conditions:
Hereditary cancer-predisposing syndrome. Also called: Tumor predisposition; Hereditary Cancer Syndrome; Hereditary neoplastic syndrome; Neoplastic Syndromes, Hereditary. Identifiers: Orphanet 140162, MedGen C0027672, MeSH D009386, MONDO:0015356.
BAP1-related tumor predisposition syndrome (TPDS1). Also called: Tumor susceptibility linked to germline BAP1 mutations; BAP1 tumor predisposition syndrome; COMMON Syndrome; TUMOR PREDISPOSITION SYNDROME 1. Identifiers: Orphanet 289539, MedGen C3280492, MONDO:0013692, OMIM 614327.

Submissions (3):

Ambry Genetics
Classification: Likely benign for Hereditary cancer-predisposing syndrome. Last evaluated: 2026-07-20. Review status: criteria provided, single submitter. Criteria: Ambry Variant Classification Scheme 2023. Collection method: clinical testing. Allele origin: germline.

Myriad Genetics, Inc.
Classification: Benign for BAP1-related tumor predisposition syndrome. Last evaluated: 2024-07-12. Review status: criteria provided, single submitter. Criteria: Myriad Autosomal Dominant, Autosomal Recessive and X-Linked Classification Criteria (2023). Collection method: clinical testing. Allele origin: unknown.
Comment: This variant is considered benign. This variant is a silent/synonymous amino acid change and it is not expected to impact splicing.

Labcorp Genetics (formerly Invitae), Labcorp
Classification: Likely benign for BAP1-related tumor predisposition syndrome. Last evaluated: 2022-04-28. Review status: criteria provided, single submitter. Criteria: Invitae Variant Classification Sherloc (09022015). Collection method: clinical testing. Allele origin: germline.

NM_004656.4(BAP1):c.618C>A (p.Ala206=)

Gene: BAP1 (BRCA1 associated deubiquitinase 1; minus strand). Cytogenetic location: 3p21.1.
Variant type: single nucleotide variant.
Coding change: c.618C>A on transcript NM_004656.4 (MANE Select); coding-DNA position 618, C replaced by A.
Protein change: p.Ala206=; no amino-acid change (alanine 206 retained).
Molecular consequence: synonymous variant.
Genome position (GRCh38, 1-based): chr3:52,406,870, G>T on the plus strand (C>A on the coding strand, the complement: BAP1 is on the minus strand). VCF-style: chr3-52406870-G-T. GRCh37 (hg19) VCF-style: chr3-52440886-G-T.
Other names: c.618C>A, p.Ala206= (NM_001410772.1).
Identifiers: ClinVar variation 2051476 (VCV002051476.6), dbSNP rs2153227641, ClinGen allele CA433776761.
Genomic context (GRCh38, chr3:52,406,870, plus strand): 5'-GCAGGCACAGGGCCCTTACCCTGCAGTGGCGAGGCCGATACGCTCCATGATGACCCGCCG[G>T]GCCTTGTCTGTCCACTCCTCGTCCTCCCCCCAGGGCCCTAGTGGAGACCAAGACAAGGAA-3'
Protein context (NP_004647.1, residues 196-216): WGEDEEWTDK[Ala206=]RRVIMERIGL